The following is an entry in ClinVar:

ClinVar aggregate classification (germline): Uncertain significance. Review status: criteria provided, multiple submitters, no conflicts (2 of 4 stars). 4 submissions from 4 submitters: Uncertain significance (4). Last evaluated 2026-01-05.

Conditions:
Succinate-semialdehyde dehydrogenase deficiency (SSADHD). Also called: Succinic Semialdehyde Dehydrogenase Deficiency; GABA METABOLIC DEFECT; SSADH DEFICIENCY; 4-HYDROXYBUTYRIC ACIDURIA. Identifiers: Orphanet 22, MedGen C0268631, MONDO:0010083, OMIM 271980.

Allele frequency attached by ClinVar (database versions not stated): TOPMed 0.00003; gnomAD exomes 0.00004 and 0.00008; gnomAD 0.00005; ExAC 0.00006; ESP Exome Variant Server 0.00015.
gnomAD v4.1: 115 of 1,613,766 alleles (0.0071%); highest among the groups gnomAD compares: Non-Finnish European, 0.0097%; no homozygotes.

Submissions (5):

Labcorp Genetics (formerly Invitae), Labcorp
Classification: Uncertain significance for Succinate-semialdehyde dehydrogenase deficiency. Last evaluated: 2026-01-05. Review status: criteria provided, single submitter. Criteria: Invitae Variant Classification Sherloc (09022015). Collection method: clinical testing. Allele origin: germline.
Comment: This sequence change replaces glutamic acid, which is acidic and polar, with glycine, which is neutral and non-polar, at codon 390 of the ALDH5A1 protein (p.Glu390Gly). This variant is present in population databases (rs142677472, gnomAD 0.008%). This variant has not been reported in the literature in individuals affected with ALDH5A1-related conditions. ClinVar contains an entry for this variant (Variation ID: 858229). Invitae Evidence Modeling of protein sequence and biophysical properties (such as structural, functional, and spatial information, amino acid conservation, physicochemical variation, residue mobility, and thermodynamic stability) has been performed for this missense variant. However, the output from this modeling did not meet the statistical confidence thresholds required to predict the impact of this variant on ALDH5A1 protein function. In summary, the available evidence is currently insufficient to determine the role of this variant in disease. Therefore, it has been classified as a Variant of Uncertain Significance.

GeneDx
Classification: Uncertain significance. Last evaluated: 2024-11-27. Review status: criteria provided, single submitter. Criteria: GeneDx Variant Classification Process June 2021. Collection method: clinical testing. Allele origin: germline. Affected: yes.
Comment: Not observed at significant frequency in large population cohorts (gnomAD); In silico analysis supports that this missense variant has a deleterious effect on protein structure/function; Has not been previously published as pathogenic or benign to our knowledge

Blueprint Genetics
Classification: Uncertain significance. Last evaluated: 2024-06-26. Review status: criteria provided, single submitter. Criteria: ACMG Guidelines, 2015. Collection method: clinical testing. Allele origin: germline.

Illumina Laboratory Services, Illumina
Classification: Uncertain significance for Succinate-semialdehyde dehydrogenase deficiency. Last evaluated: 2018-01-13. Review status: criteria provided, single submitter. Criteria: ICSL Variant Classification Criteria 13 December 2019. Collection method: clinical testing. Allele origin: germline.

Dr. Peter K. Rogan Lab, Western University
No classification provided (evidence only). Condition: Uterine carcinosarcoma. Review status: no classification provided. Collection method: in vitro. Allele origin: not applicable. Functional consequence: retained intron. Not counted in ClinVar's aggregate classification.

NM_001080.3(ALDH5A1):c.1169A>G (p.Glu390Gly)

Gene: ALDH5A1 (aldehyde dehydrogenase 5 family member A1; plus strand). Cytogenetic location: 6p22.3.
Variant type: single nucleotide variant.
Coding change: c.1169A>G on transcript NM_001080.3 (MANE Select); coding-DNA position 1169, A replaced by G.
Protein change: p.Glu390Gly; replaces glutamic acid 390 with glycine.
Molecular consequence: missense variant.
Genome position (GRCh38, 1-based): chr6:24,522,921, A>G. VCF-style: chr6-24522921-A-G. GRCh37 (hg19) VCF-style: chr6-24523149-A-G.
Other names: c.1025A>G, p.Glu342Gly (NM_001368954.1); c.1208A>G, p.Glu403Gly (NM_170740.1); short protein forms E342G, E403G, E390G.
Identifiers: ClinVar variation 858229 (VCV000858229.17), dbSNP rs142677472, ClinGen allele CA3656860.
Genomic context (GRCh38, chr6:24,522,921, plus strand): 5'-TAGGTAATGGATTTGAGGAAGGAACTACTCAGGGCCCATTAATTAATGAAAAAGCGGTAG[A>G]AAAGGTAAGTATATTGTATTATTTGTGAAAGTAAATTTCATGGTTTCAATATGAAAAGCT-3'
Protein context (NP_001071.1, residues 380-400): QGPLINEKAV[Glu390Gly]KVEKQVNDAV